The following is an entry in ClinVar:

NM_017827.4(SARS2):c.1519C>T (p.Arg507Trp)

Gene: SARS2 (seryl-tRNA synthetase 2, mitochondrial; minus strand). Cytogenetic location: 19q13.2.
Variant type: single nucleotide variant.
Coding change: c.1519C>T on transcript NM_017827.4 (MANE Select); coding-DNA position 1519, C replaced by T.
Protein change: p.Arg507Trp; replaces arginine 507 with tryptophan.
Molecular consequence: missense variant.
Genome position (GRCh38, 1-based): chr19:38,915,644, G>A on the plus strand (C>T on the coding strand, the complement: SARS2 is on the minus strand). VCF-style: chr19-38915644-G-A. GRCh37 (hg19) VCF-style: chr19-39406284-G-A.
Other names: c.1525C>T, p.Arg509Trp (NM_001145901.2); short protein forms R509W, R507W.
Identifiers: ClinVar variation 1931914 (VCV001931914.5), dbSNP rs143316017, ClinGen allele CA9422674.

ClinVar aggregate classification (germline): Uncertain significance (1 of 4 stars; one submission).

Allele frequency attached by ClinVar (database versions not stated): ESP Exome Variant Server 0.00008.
gnomAD v4.1: 25 of 1,610,686 alleles (0.0016%); highest among the groups gnomAD compares: Middle Eastern, 0.035%; no homozygotes.

Submission:

Labcorp Genetics (formerly Invitae), Labcorp
Classification: Uncertain significance. Last evaluated: 2024-04-18. Review status: criteria provided, single submitter. Criteria: Invitae Variant Classification Sherloc (09022015). Collection method: clinical testing. Allele origin: germline.
Comment: This sequence change replaces arginine, which is basic and polar, with tryptophan, which is neutral and slightly polar, at codon 507 of the SARS2 protein (p.Arg507Trp). This variant is present in population databases (rs143316017, gnomAD 0.01%). This variant has not been reported in the literature in individuals affected with SARS2-related conditions. ClinVar contains an entry for this variant (Variation ID: 1931914). An algorithm developed to predict the effect of missense changes on protein structure and function (PolyPhen-2) suggests that this variant is likely to be disruptive. In summary, the available evidence is currently insufficient to determine the role of this variant in disease. Therefore, it has been classified as a Variant of Uncertain Significance.